The following is an entry in ClinVar:

ClinVar aggregate classification (germline): Likely benign. Review status: reviewed by expert panel (3 of 4 stars). 11 submissions from 11 submitters: Likely benign (1). 10 of the submissions do not count toward it. Last evaluated 2017-06-29.

Conditions:
BRCA2-related cancer predisposition. Identifiers: MedGen CN377758, MONDO:0700269.
Breast neoplasm. Also called: Breast Neoplasms; Neoplasm of breast; Breast tumor; Neoplasm of the breast. Identifiers: MedGen C1458155, MeSH D001943, MONDO:0021100, HP:0100013. Disease mechanism: gain of function.
Familial cancer of breast. Also called: hereditary breast carcinoma; Hereditary breast cancer; BREAST CANCER, FAMILIAL. Identifiers: Orphanet 227535, MedGen C0346153, MONDO:0016419, OMIM 114480. Disease mechanism: loss of function.
Breast-ovarian cancer, familial, susceptibility to, 2 (BROVCA2). Also called: BRCA2 Hereditary Breast and Ovarian Cancer. Identifiers: Orphanet 145, MedGen C2675520, MONDO:0012933, OMIM 612555. Disease mechanism: loss of function.
Hereditary cancer-predisposing syndrome. Also called: Tumor predisposition; Neoplastic Syndromes, Hereditary; Hereditary Cancer Syndrome; Hereditary neoplastic syndrome. Identifiers: Orphanet 140162, MedGen C0027672, MeSH D009386, MONDO:0015356.
Hereditary breast ovarian cancer syndrome. Also called: BRCA1- and BRCA2-Associated Hereditary Breast and Ovarian Cancer; Hereditary breast and/or ovarian cancer syndrome; Hereditary breast and ovarian cancer; Hereditary breast and ovarian cancer syndrome; Hereditary breast and ovarian cancer syndrome (HBOC); Breast and ovarian cancer. Identifiers: Orphanet 145, MedGen C0677776, MeSH D061325, MONDO:0003582. Disease mechanism: loss of function.

Allele frequency attached by ClinVar (database versions not stated): gnomAD 0.00001; gnomAD exomes 0.00001; TOPMed 0.00002; 1000 Genomes Project 30x 0.00016; 1000 Genomes Project 0.00020.
gnomAD v4.1: 18 of 1,613,998 alleles (0.0011%); highest among the groups gnomAD compares: East Asian, 0.0022%; no homozygotes.

Submissions (11):

Evidence-based Network for the Interpretation of Germline Mutant Alleles (ENIGMA)
Classification: Likely benign for Breast-ovarian cancer, familial, susceptibility to, 2. Last evaluated: 2017-06-29. Review status: reviewed by expert panel. Criteria: ENIGMA BRCA1/2 Classification Criteria (2017-06-29). Collection method: curation. Allele origin: germline.
Comment: Synonymous substitution variant, with low bioinformatic likelihood to result in a splicing aberration (Splicing prior probability 0.02).

Labcorp Genetics (formerly Invitae), Labcorp
Classification: Likely benign for Hereditary breast ovarian cancer syndrome. Last evaluated: 2026-01-10. Review status: criteria provided, single submitter. Criteria: Invitae Variant Classification Sherloc (09022015). Collection method: clinical testing. Allele origin: germline. Not counted in ClinVar's aggregate classification.

Department of Pathology and Laboratory Medicine, Sinai Health System
Classification: Likely benign for Familial cancer of breast; Breast-ovarian cancer, familial, susceptibility to, 2. Last evaluated: 2024-12-16. Review status: criteria provided, single submitter. Criteria: ACMG Guidelines, 2015. Collection method: clinical testing. Allele origin: germline. Affected: yes. Not counted in ClinVar's aggregate classification.

Blueprint Genetics
Classification: Likely benign. Last evaluated: 2024-11-04. Review status: criteria provided, single submitter. Criteria: ACMG Guidelines, 2015. Collection method: clinical testing. Allele origin: germline. Not counted in ClinVar's aggregate classification.

All of Us Research Program, National Institutes of Health
Classification: Likely benign for BRCA2-related cancer predisposition. Last evaluated: 2024-03-04. Review status: criteria provided, single submitter. Criteria: ACMG Guidelines, 2015. Collection method: clinical testing. Allele origin: germline. Inheritance: Autosomal dominant inheritance. Observed: 1 variant allele, 1 heterozygote. Not counted in ClinVar's aggregate classification.
Comment: This study involves interpretation of variants in research participants for the purpose of population health screening. Participant phenotype was not available at the time of variant classification. Additional details can be found in publication PMID: 35346344, PMCID: PMC8962531

Quest Diagnostics Nichols Institute San Juan Capistrano
Classification: Likely benign. Last evaluated: 2023-05-08. Review status: criteria provided, single submitter. Criteria: Quest Diagnostics criteria. Collection method: clinical testing. Allele origin: unknown. Not counted in ClinVar's aggregate classification.

Color Diagnostics, LLC DBA Color Health
Classification: Likely benign for Hereditary cancer-predisposing syndrome. Last evaluated: 2018-10-31. Review status: criteria provided, single submitter. Criteria: ACMG Guidelines, 2015. Collection method: clinical testing. Allele origin: germline. Not counted in ClinVar's aggregate classification.

GeneDx
Classification: Likely benign. Last evaluated: 2018-05-07. Review status: criteria provided, single submitter. Criteria: GeneDx Variant Classification Process June 2021. Collection method: clinical testing. Allele origin: germline. Affected: yes. Not counted in ClinVar's aggregate classification.
Comment: This variant is associated with the following publications: (PMID: 27257965)

Laboratory of Molecular Diagnosis of Cancer, West China Hospital, Sichuan University
Classification: Uncertain significance for Breast neoplasm. Last evaluated: 2015-11-01. Review status: criteria provided, single submitter. Criteria: ACMG Guidelines, 2015. Collection method: research. Allele origin: germline. Affected: yes. Observed: 1 variant allele. Not counted in ClinVar's aggregate classification.

Ambry Genetics
Classification: Likely benign for Hereditary cancer-predisposing syndrome. Last evaluated: 2015-06-19. Review status: criteria provided, single submitter. Criteria: Ambry Variant Classification Scheme 2023. Collection method: clinical testing. Allele origin: germline. Not counted in ClinVar's aggregate classification.

Counsyl
Classification: Likely benign for Breast-ovarian cancer, familial, susceptibility to, 2. Last evaluated: 2018-05-08. Review status: no assertion criteria provided. Collection method: clinical testing. Allele origin: unknown. Not counted in ClinVar's aggregate classification.

Literature cited by the submitters: PubMed 27257965 (cited by 4 submitters); PubMed 28692638 (cited by Department of Pathology and Laboratory Medicine, Sinai Health System and Quest Diagnostics Nichols Institute San Juan Capistrano); PubMed 30702160 (cited by Department of Pathology and Laboratory Medicine, Sinai Health System and Quest Diagnostics Nichols Institute San Juan Capistrano); PubMed 32467295 (cited by Department of Pathology and Laboratory Medicine, Sinai Health System and Quest Diagnostics Nichols Institute San Juan Capistrano); PubMed 31825140 (cited by Quest Diagnostics Nichols Institute San Juan Capistrano).

NM_000059.4(BRCA2):c.171C>T (p.Tyr57=)

Gene: BRCA2 (BRCA2 DNA repair associated; plus strand). Cytogenetic location: 13q13.1.
Variant type: single nucleotide variant.
Coding change: c.171C>T on transcript NM_000059.4 (MANE Select); coding-DNA position 171, C replaced by T.
Protein change: p.Tyr57=; no amino-acid change (tyrosine 57 retained).
Molecular consequence: synonymous variant.
Genome position (GRCh38, 1-based): chr13:32,319,180, C>T. VCF-style: chr13-32319180-C-T. GRCh37 (hg19) VCF-style: chr13-32893317-C-T.
Identifiers: ClinVar variation 224452 (VCV000224452.24), dbSNP rs201523522, ClinGen allele CA10575904.